The following is an entry in ClinVar:

NM_144670.6(A2ML1):c.411del (p.Tyr138fs)

Genes: A2ML1 (alpha-2-macroglobulin like 1; plus strand), A2ML1-AS1 (A2ML1 antisense RNA 1; minus strand). Cytogenetic location: 12p13.31.
Variant type: Deletion.
Coding change: c.411del on transcript NM_144670.6 (MANE Select); coding-DNA position 411, one base deleted (G; older notation c.411delG).
Protein change: p.Tyr138fs; shifts the reading frame from tyrosine 138.
Molecular consequence: frameshift variant.
Genome position (GRCh38, 1-based): chr12:8,829,728, G deleted. VCF-style (leftmost placement, unchanged base first): chr12-8829727-TG-T. GRCh37 (hg19) VCF-style: chr12-8982323-TG-T.
Other names: short protein forms Y138fs.
Identifiers: ClinVar variation 2415364 (VCV002415364.7), dbSNP rs2539187842, ClinGen allele CA2580086307.

ClinVar aggregate classification (germline): Uncertain significance (1 of 4 stars; one submission).

Submission:

Labcorp Genetics (formerly Invitae), Labcorp
Classification: Uncertain significance. Last evaluated: 2024-01-22. Review status: criteria provided, single submitter. Criteria: Invitae Variant Classification Sherloc (09022015). Collection method: clinical testing. Allele origin: germline.
Comment: This sequence change creates a premature translational stop signal (p.Tyr138Ilefs*14) in the A2ML1 gene. It is expected to result in an absent or disrupted protein product. However, the current clinical and genetic evidence is not sufficient to establish whether loss-of-function variants in A2ML1 cause disease. This variant is not present in population databases (gnomAD no frequency). This variant has not been reported in the literature in individuals affected with A2ML1-related conditions. ClinVar contains an entry for this variant (Variation ID: 2415364). In summary, the available evidence is currently insufficient to determine the role of this variant in disease. Therefore, it has been classified as a Variant of Uncertain Significance.